The following is an entry in ClinVar:

ClinVar aggregate classification (germline): Likely benign (1 of 4 stars; one submission).

Submission:

GeneDx
Classification: Likely benign. Last evaluated: 2018-05-24. Review status: criteria provided, single submitter. Criteria: GeneDx Variant Classification (06012015). Collection method: clinical testing. Allele origin: germline. Affected: yes.
Comment: This variant is considered likely benign or benign based on one or more of the following criteria: it is a conservative change, it occurs at a poorly conserved position in the protein, it is predicted to be benign by multiple in silico algorithms, and/or has population frequency not consistent with disease.

NM_001042432.2(CLN3):c.768C>G (p.Thr256=)

Gene: CLN3 (CLN3 lysosomal/endosomal transmembrane protein, battenin; minus strand). Cytogenetic location: 16p12.1.
Variant type: single nucleotide variant.
Coding change: c.768C>G on transcript NM_001042432.2 (MANE Select); coding-DNA position 768, C replaced by G.
Protein change: p.Thr256=; no amino-acid change (threonine 256 retained).
Molecular consequence: synonymous variant.
Genome position (GRCh38, 1-based): chr16:28,484,028, G>C on the plus strand (C>G on the coding strand, the complement: CLN3 is on the minus strand). VCF-style: chr16-28484028-G-C. GRCh37 (hg19) VCF-style: chr16-28495349-G-C.
Other names: c.768C>G, p.Thr256= (NM_000086.2); c.696C>G, p.Thr232= (NM_001286104.2); c.468C>G, p.Thr156= (NM_001286105.2); c.534C>G, p.Thr178= (NM_001286109.2); c.606C>G, p.Thr202= (NM_001286110.2).
Identifiers: ClinVar variation 668631 (VCV000668631.1), dbSNP rs145967477, ClinGen allele CA494271999.
Genomic context (GRCh38, chr16:28,484,028, plus strand): 5'-GAAAGAAAGTGACCTCTCTGAGGGTCTGTGTCTCCTACCTGGCTTCGACTCCGGGGCCTC[G>C]GTTCTTATGAGGGGCTGCCGGGCTGCGCTCTCTGCTTCTTCTTCCCCTCCAGGGTCCTGG-3'
Protein context (NP_001035897.1, residues 246-266): ESAARQPLIR[Thr256=]EAPESKPGSS